The following is an entry in ClinVar:

ClinVar aggregate classification (germline): Pathogenic (1 of 4 stars; one submission).

Conditions:
Hereditary cancer-predisposing syndrome. Also called: Hereditary Cancer Syndrome; Hereditary neoplastic syndrome; Tumor predisposition; Neoplastic Syndromes, Hereditary. Identifiers: Orphanet 140162, MedGen C0027672, MeSH D009386, MONDO:0015356.
Cardiovascular phenotype. Identifiers: MedGen CN230736.

Submission:

Ambry Genetics
Classification: Pathogenic for Cardiovascular phenotype; Hereditary cancer-predisposing syndrome. Last evaluated: 2024-10-25. Review status: criteria provided, single submitter. Criteria: Ambry Variant Classification Scheme 2023. Collection method: clinical testing. Allele origin: germline.
Comment: The c.1673_1693del21insGG pathogenic mutation, located in coding exon 15 of the LZTR1 gene, results from the deletion of 21 nucleotides and insertion of two nucleotides causing a translational frameshift with a predicted alternate stop codon (p.Q558Rfs*28). This variant is considered to be rare based on population cohorts in the Genome Aggregation Database (gnomAD). This alteration is expected to result in loss of function by premature protein truncation or nonsense-mediated mRNA decay. Loss-of-function variants in LZTR1 are related to an increased risk for schwannomas and autosomal recessive Noonan syndrome; however, such associations with autosomal dominant Noonan syndrome have not been observed (Piotrowski A et al. Nat Genet. 2014 Feb;46:182-7; Yamamoto GL et al. J Med Genet. 2015 Jun;52:413-21; Johnston JJ et al. Genet Med. 2018 10;20:1175-1185). Based on the supporting evidence, this variant is pathogenic for an increased risk of LZTR1-related schwannomatosis (SWN) and would be expected to cause autosomal recessive Noonan syndrome when present along with a second pathogenic or likely pathogenic variant on the other allele; however, the association of this alteration with autosomal dominant Noonan syndrome is unlikely.

NM_006767.4(LZTR1):c.1673_1693delinsGG (p.Gln558fs)

Gene: LZTR1 (leucine zipper like post translational regulator 1; plus strand). Cytogenetic location: 22q11.21.
Variant type: Indel.
Coding change: c.1673_1693delinsGG on transcript NM_006767.4 (MANE Select); coding-DNA positions 1673 to 1693, AGTTGTGCCGCCTGGAGCAGC replaced by GG.
Protein change: p.Gln558fs; shifts the reading frame from glutamine 558.
Molecular consequence: frameshift variant.
Genome position (GRCh38, 1-based): chr22:20,994,615-20,994,635, AGTTGTGCCGCCTGGAGCAGC replaced by GG. VCF-style: chr22-20994615-AGTTGTGCCGCCTGGAGCAGC-GG. GRCh37 (hg19) VCF-style: chr22-21348904-AGTTGTGCCGCCTGGAGCAGC-GG.
Other names: short protein forms Q558fs.
Identifiers: ClinVar variation 3541666 (VCV003541666.1).